The following is an entry in ClinVar:

NM_001009944.3(PKD1):c.2093A>G (p.Tyr698Cys)

Gene: PKD1 (polycystin 1, transient receptor potential channel interacting; minus strand). Cytogenetic location: 16p13.3.
Variant type: single nucleotide variant.
Coding change: c.2093A>G on transcript NM_001009944.3 (MANE Select); coding-DNA position 2093, A replaced by G.
Protein change: p.Tyr698Cys; replaces tyrosine 698 with cysteine.
Molecular consequence: missense variant.
Genome position (GRCh38, 1-based): chr16:2,115,382, T>C on the plus strand (A>G on the coding strand, the complement: PKD1 is on the minus strand). VCF-style: chr16-2115382-T-C. GRCh37 (hg19) VCF-style: chr16-2165383-T-C.
Other names: c.2093A>G, p.Tyr698Cys (NM_000296.4); short protein forms Y698C.
Identifiers: ClinVar variation 4879868 (VCV004879868.1).

ClinVar aggregate classification (germline): Uncertain significance (1 of 4 stars; one submission).

Conditions:
Polycystic kidney disease, adult type (PKD1). Also called: Polycystic Kidney, Autosomal Dominant; POLYCYSTIC KIDNEY DISEASE, ADULT, TYPE I; Polycystic Kidney Disease 1, Autosomal Dominant; Polycystic kidney disease 1; Polycystic kidney disease 1, severe; POLYCYSTIC KIDNEY DISEASE 1 WITH OR WITHOUT POLYCYSTIC LIVER DISEASE. Identifiers: MedGen C3149841, MONDO:0008263, OMIM 173900.

Submission:

MVZ Medizinische Genetik Mainz
Classification: Uncertain significance for Polycystic kidney disease, adult type. Last evaluated: 2026-07-09. Review status: criteria provided, single submitter. Criteria: UK Practice Guidelines For Variant Classification V4 01 2020. Collection method: clinical testing. Allele origin: germline. Inheritance: Autosomal dominant inheritance. Affected: yes. Observed: 1 variant allele.
Comment: ACMG Criteria: PM5,PM2_SUP,PP4,BP4